The following is an entry in ClinVar:

ClinVar aggregate classification (germline): Uncertain significance (1 of 4 stars; one submission).

Conditions:
Fanconi anemia (FA). Also called: Fanconi's anemia. Identifiers: Orphanet 84, MedGen C0015625, MeSH D005199, MONDO:0019391.

Allele frequency attached by ClinVar (database versions not stated): TOPMed 0.00001.
gnomAD v4.1: 4 of 1,614,102 alleles (0.00025%); highest among the groups gnomAD compares: Non-Finnish European, 0.00034%; no homozygotes.

Submission:

Labcorp Genetics (formerly Invitae), Labcorp
Classification: Uncertain significance for Fanconi anemia. Last evaluated: 2024-07-23. Review status: criteria provided, single submitter. Criteria: Invitae Variant Classification Sherloc (09022015). Collection method: clinical testing. Allele origin: germline.
Comment: This sequence change falls in intron 40 of the FANCA gene. It does not directly change the encoded amino acid sequence of the FANCA protein. It affects a nucleotide within the consensus splice site. This variant is not present in population databases (gnomAD no frequency). This variant has not been reported in the literature in individuals affected with FANCA-related conditions. ClinVar contains an entry for this variant (Variation ID: 1038849). Variants that disrupt the consensus splice site are a relatively common cause of aberrant splicing (PMID: 17576681, 9536098). Algorithms developed to predict the effect of sequence changes on RNA splicing suggest that this variant is not likely to affect RNA splicing. In summary, the available evidence is currently insufficient to determine the role of this variant in disease. Therefore, it has been classified as a Variant of Uncertain Significance.

Literature cited by the submitters: PubMed 17576681; PubMed 9536098.

NM_000135.4(FANCA):c.4011-3T>C

Genes: ZNF276 (zinc finger protein 276; plus strand), FANCA (FA complementation group A; minus strand). Cytogenetic location: 16q24.3.
Variant type: single nucleotide variant.
Coding change: c.4011-3T>C on transcript NM_000135.4 (MANE Select); 3 bases into the intron before coding-DNA position 4011, T replaced by C.
Molecular consequence: intron variant. On other transcripts: 3 prime UTR variant (2), non-coding transcript variant (4).
Genome position (GRCh38, 1-based): chr16:89,739,292, A>G on the plus strand (T>C on the coding strand, the complement: FANCA is on the minus strand). VCF-style: chr16-89739292-A-G. GRCh37 (hg19) VCF-style: chr16-89805700-A-G.
Other names: c.*1046A>G (NM_001113525.2, NM_152287.4); c.4011-3T>C (NM_001286167.3).
Identifiers: ClinVar variation 1038849 (VCV001038849.6), dbSNP rs1257557473, ClinGen allele CA725755467.